The following is an entry in ClinVar:

ClinVar aggregate classification (germline): Pathogenic (1 of 4 stars; one submission).

Conditions:
Usher syndrome type 1C. Also called: USHER SYNDROME, TYPE I, ACADIAN VARIETY. Identifiers: Orphanet 231169, Orphanet 886, MedGen C1848604, MONDO:0010171, OMIM 276904.

Submission:

Myriad Genetics, Inc.
Classification: Pathogenic for Usher syndrome type 1C. Last evaluated: 2025-12-15. Review status: criteria provided, single submitter. Criteria: Myriad Autosomal Dominant, Autosomal Recessive and X-Linked Classification Criteria (2023). Collection method: clinical testing. Allele origin: unknown.
Comment: NM_005709.3(USH1C):c.1084delC(Q362Rfs*3) is expected to be pathogenic in the context of USH1C-related disorders. This variant is predicted to lead to an abnormal or absent protein product due to the creation of a premature termination codon in USH1C, a gene where loss-of-function variants are known to be pathogenic. Please note: this variant was assessed in the context of healthy population screening.

NM_153676.4(USH1C):c.1084del (p.Gln362fs)

Gene: USH1C (USH1 protein network component harmonin; minus strand). Cytogenetic location: 11p15.1.
Variant type: Deletion.
Coding change: c.1084del on transcript NM_153676.4 (MANE Select); coding-DNA position 1084, one base deleted (C; older notation c.1084delC).
Protein change: p.Gln362fs; shifts the reading frame from glutamine 362.
Molecular consequence: frameshift variant. On other transcripts: non-coding transcript variant (1).
Genome position (GRCh38, 1-based): chr11:17,521,347, G deleted on the plus strand (C on the coding strand, the reverse complement: USH1C is on the minus strand). VCF-style (leftmost placement, unchanged base first): chr11-17521346-TG-T. GRCh37 (hg19) VCF-style: chr11-17542893-TG-T.
Other names: c.1027del, p.Gln343fs (NM_001297764.2); c.1117del, p.Gln373fs (NM_001440679.1, NM_001440684.1); c.1084del, p.Gln362fs (NM_001440680.1, NM_001440681.1, NM_001440682.1 and 4 more transcripts); c.1060del, p.Gln354fs (NM_001440686.1); short protein forms Q343fs, Q354fs, Q362fs, Q373fs.
Identifiers: ClinVar variation 5015331 (VCV005015331.1).